The following is an entry in ClinVar:

NM_004544.4(NDUFA10):c.750-279C>T

Gene: NDUFA10 (NADH:ubiquinone oxidoreductase subunit A10; minus strand). Cytogenetic location: 2q37.3.
Variant type: single nucleotide variant.
Coding change: c.750-279C>T on transcript NM_004544.4 (MANE Select); 279 bases into the intron before coding-DNA position 750, C replaced by T.
Molecular consequence: intron variant.
Genome position (GRCh38, 1-based): chr2:240,007,649, G>A on the plus strand (C>T on the coding strand, the complement: NDUFA10 is on the minus strand). VCF-style: chr2-240007649-G-A. GRCh37 (hg19) VCF-style: chr2-240947066-G-A.
Other names: c.750-279C>T (NM_001322020.2, NM_001322019.2).
Identifiers: ClinVar variation 669878 (VCV000669878.1), dbSNP rs3792089, ClinGen allele CA11312604.
Genomic context (GRCh38, chr2:240,007,649, plus strand): 5'-AACAGCAGGACCATTTCCTCGTTTCCCTTCTCCTGACTACACTGCCCCCAAGCCAAGGGC[G>A]TGACAGACCACAGCCATCACTGTCCACAGGAGCAAGGTACATGAGCCATGTCAGCAGCTG-3'

ClinVar aggregate classification (germline): Benign (1 of 4 stars; one submission).

Allele frequency attached by ClinVar (database versions not stated): 1000 Genomes Project 30x 0.09760; 1000 Genomes Project 0.10024; TOPMed 0.11294; gnomAD 0.11667 and 0.11762.
gnomAD v4.1: 18,003 of 152,224 alleles (12%); highest among the groups gnomAD compares: South Asian, 16%; 1,253 homozygotes.

Submission:

GeneDx
Classification: Benign. Last evaluated: 2018-06-14. Review status: criteria provided, single submitter. Criteria: GeneDx Variant Classification (06012015). Collection method: clinical testing. Allele origin: germline. Affected: yes.
Comment: This variant is considered likely benign or benign based on one or more of the following criteria: it is a conservative change, it occurs at a poorly conserved position in the protein, it is predicted to be benign by multiple in silico algorithms, and/or has population frequency not consistent with disease.